The following is an entry in ClinVar:

ClinVar aggregate classification (germline): Uncertain significance (1 of 4 stars; one submission).

Conditions:
Inborn genetic diseases. Identifiers: MedGen C0950123, MeSH D030342.

gnomAD v4.1: 8 of 1,613,890 alleles (0.0005%); highest among the groups gnomAD compares: Non-Finnish European, 0.00059%; no homozygotes.

Submission:

Ambry Genetics
Classification: Uncertain significance for Inborn genetic diseases. Last evaluated: 2025-12-30. Review status: criteria provided, single submitter. Criteria: Ambry Variant Classification Scheme 2023. Collection method: clinical testing. Allele origin: germline.
Comment: The c.668T>A (p.I223N) alteration is located in exon 5 (coding exon 5) of the SLC12A6 gene. This alteration results from a T to A substitution at nucleotide position 668, causing the isoleucine (I) at amino acid position 223 to be replaced by an asparagine (N). Based on data from gnomAD, the A allele has an overall frequency of 0.001% (3/251024) total alleles studied. The highest observed frequency was 0.003% (3/113338) of European (non-Finnish) alleles. Based on insufficient or conflicting evidence, the clinical significance of this alteration remains unclear.

NM_001365088.1(SLC12A6):c.668T>A (p.Ile223Asn)

Genes: SLC12A6 (solute carrier family 12 member 6; minus strand), LOC129390683 (MPRA-validated peak2292 silencer; plus strand). Cytogenetic location: 15q14.
Variant type: single nucleotide variant.
Coding change: c.668T>A on transcript NM_001365088.1 (MANE Select); coding-DNA position 668, T replaced by A.
Protein change: p.Ile223Asn; replaces isoleucine 223 with asparagine.
Molecular consequence: missense variant.
Genome position (GRCh38, 1-based): chr15:34,257,664, A>T on the plus strand (T>A on the coding strand, the complement: SLC12A6 is on the minus strand). VCF-style: chr15-34257664-A-T. GRCh37 (hg19) VCF-style: chr15-34549865-A-T.
Other names: c.491T>A, p.Ile164Asn (NM_001042494.2, NM_001042495.2); c.641T>A, p.Ile214Asn (NM_001042496.2); c.623T>A, p.Ile208Asn (NM_001042497.2); c.515T>A, p.Ile172Asn (NM_005135.2); c.668T>A, p.Ile223Asn (NM_133647.2); short protein forms I208N, I214N, I164N, I223N, I172N.
Identifiers: ClinVar variation 4838771 (VCV004838771.1).